The following is an entry in ClinVar:

NM_001378454.1(ALMS1):c.9808C>T (p.Pro3270Ser)

Gene: ALMS1 (ALMS1 centrosome and basal body associated protein; plus strand). Cytogenetic location: 2p13.1.
Variant type: single nucleotide variant.
Coding change: c.9808C>T on transcript NM_001378454.1 (MANE Select); coding-DNA position 9808, C replaced by T.
Protein change: p.Pro3270Ser; replaces proline 3270 with serine.
Molecular consequence: missense variant.
Genome position (GRCh38, 1-based): chr2:73,534,850, C>T. VCF-style: chr2-73534850-C-T. GRCh37 (hg19) VCF-style: chr2-73761977-C-T.
Other names: c.9811C>T, p.Pro3271Ser (NM_015120.4); short protein forms P3271S, P3270S.
Identifiers: ClinVar variation 1409010 (VCV001409010.3), dbSNP rs1673992958, ClinGen allele CA347263511.

ClinVar aggregate classification (germline): Uncertain significance (1 of 4 stars; one submission).

Conditions:
Alstrom syndrome (ALMS). Identifiers: Orphanet 64, MedGen C0268425, MONDO:0008763, OMIM 203800.

Allele frequency attached by ClinVar (database versions not stated): gnomAD exomes below 0.00001; gnomAD 0.00001.
gnomAD v4.1: 4 of 1,613,452 alleles (0.00025%); highest among the groups gnomAD compares: Non-Finnish European, 0.00017%; no homozygotes.

Submission:

Labcorp Genetics (formerly Invitae), Labcorp
Classification: Uncertain significance for Alstrom syndrome. Last evaluated: 2022-03-23. Review status: criteria provided, single submitter. Criteria: Invitae Variant Classification Sherloc (09022015). Collection method: clinical testing. Allele origin: germline.
Comment: This sequence change replaces proline, which is neutral and non-polar, with serine, which is neutral and polar, at codon 3271 of the ALMS1 protein (p.Pro3271Ser). This variant is not present in population databases (gnomAD no frequency). This variant has not been reported in the literature in individuals affected with ALMS1-related conditions. Experimental studies and prediction algorithms are not available or were not evaluated, and the functional significance of this variant is currently unknown. In summary, the available evidence is currently insufficient to determine the role of this variant in disease. Therefore, it has been classified as a Variant of Uncertain Significance.